The following is an entry in ClinVar:

NM_015466.4(PTPN23):c.1834C>G (p.Leu612Val)

Gene: PTPN23 (protein tyrosine phosphatase non-receptor type 23; plus strand). Cytogenetic location: 3p21.31.
Variant type: single nucleotide variant.
Coding change: c.1834C>G on transcript NM_015466.4 (MANE Select); coding-DNA position 1834, C replaced by G.
Protein change: p.Leu612Val; replaces leucine 612 with valine.
Molecular consequence: missense variant.
Genome position (GRCh38, 1-based): chr3:47,409,453, C>G. VCF-style: chr3-47409453-C-G. GRCh37 (hg19) VCF-style: chr3-47450943-C-G.
Other names: c.1456C>G, p.Leu486Val (NM_001304482.2); short protein forms L612V, L486V.
Identifiers: ClinVar variation 1933812 (VCV001933812.10), dbSNP rs2546247684, ClinGen allele CA352555379.
Genomic context (GRCh38, chr3:47,409,453, plus strand): 5'-CCCTGGCCCCCACCCCTTCCTCAGAAGTTGTTCGAGGAGCAGCTGAAAAAGTATGACCAG[C>G]TGAAGGTGTACCTGGAGCAGAACCTGGCCGCCCAGGACCGTGTCCTCTGTGCACTGACAG-3'
Protein context (NP_056281.1, residues 602-622): FEEQLKKYDQ[Leu612Val]KVYLEQNLAA

ClinVar aggregate classification (germline): Uncertain significance. Review status: criteria provided, multiple submitters, no conflicts (2 of 4 stars). 2 submissions from 2 submitters: Uncertain significance (2). Last evaluated 2025-12-01.

Submissions (2):

CeGaT Center for Human Genetics Tuebingen
Classification: Uncertain significance. Last evaluated: 2025-12-01. Review status: criteria provided, single submitter. Criteria: CeGaT Center For Human Genetics Tuebingen Variant Classification Criteria Version 2. Collection method: clinical testing. Allele origin: germline. Affected: yes. Observed: 1 variant allele.
Comment: PTPN23: PM2

Labcorp Genetics (formerly Invitae), Labcorp
Classification: Uncertain significance. Last evaluated: 2022-01-18. Review status: criteria provided, single submitter. Criteria: Invitae Variant Classification Sherloc (09022015). Collection method: clinical testing. Allele origin: germline.
Comment: In summary, the available evidence is currently insufficient to determine the role of this variant in disease. Therefore, it has been classified as a Variant of Uncertain Significance. Algorithms developed to predict the effect of sequence changes on RNA splicing suggest that this variant may create or strengthen a splice site. Algorithms developed to predict the effect of missense changes on protein structure and function are either unavailable or do not agree on the potential impact of this missense change (SIFT: "Tolerated"; PolyPhen-2: "Not Available"; Align-GVGD: "Class C0"). This variant has not been reported in the literature in individuals affected with PTPN23-related conditions. This variant is not present in population databases (gnomAD no frequency). This sequence change replaces leucine, which is neutral and non-polar, with valine, which is neutral and non-polar, at codon 612 of the PTPN23 protein (p.Leu612Val).